The following is an entry in ClinVar:

NM_032578.4(MYPN):c.65C>G (p.Ala22Gly)

Gene: MYPN (myopalladin; plus strand). Cytogenetic location: 10q21.3.
Variant type: single nucleotide variant.
Coding change: c.65C>G on transcript NM_032578.4 (MANE Select); coding-DNA position 65, C replaced by G.
Protein change: p.Ala22Gly; replaces alanine 22 with glycine.
Molecular consequence: missense variant. On other transcripts: 5 prime UTR variant (1), non-coding transcript variant (1).
Genome position (GRCh38, 1-based): chr10:68,121,503, C>G. VCF-style: chr10-68121503-C-G. GRCh37 (hg19) VCF-style: chr10-69881260-C-G.
Other names: c.65C>G, p.Ala22Gly (NM_001256267.2); c.-1058C>G (NM_001256268.2); short protein forms A22G.
Identifiers: ClinVar variation 229037 (VCV000229037.28), dbSNP rs145142157, ClinGen allele CA5522213.
Genomic context (GRCh38, chr10:68,121,503, plus strand): 5'-AAGACGACAGCATAGAAGCTTCTACTTCCATATCTCAGCTTCTAAGAGAGAGCTATTTAG[C>G]TGAAACCAGACATCGGGGAAACAATGAGAGGAGTCGAGCGGAGCCCTCCTCCAACCCTTG-3'
Protein context (NP_115967.2, residues 12-32): ISQLLRESYL[Ala22Gly]ETRHRGNNER

ClinVar aggregate classification (germline): Conflicting classifications of pathogenicity. Review status: criteria provided, conflicting classifications (1 of 4 stars). 7 submissions from 7 submitters: Uncertain significance (1); Likely benign (6). Last evaluated 2026-02-02.

Conditions:
MYPN-related disorder. Also called: MYPN-related condition.
Cardiovascular phenotype. Identifiers: MedGen CN230736.
Dilated cardiomyopathy 1KK (CMD1KK). Identifiers: Orphanet 154, Orphanet 75249, MedGen C3714995, MONDO:0014100, OMIM 615248.

Allele frequency attached by ClinVar (database versions not stated): gnomAD exomes 0.00017; ExAC 0.00020; 1000 Genomes Project 0.00040; 1000 Genomes Project 30x 0.00078; TOPMed 0.00083; ESP Exome Variant Server 0.00085; gnomAD 0.00096.
gnomAD v4.1: 211 of 1,614,178 alleles (0.013%); highest among the groups gnomAD compares: African/African-American, 0.26%; no homozygotes.

Submissions (7):

Labcorp Genetics (formerly Invitae), Labcorp
Classification: Likely benign for Dilated cardiomyopathy 1KK. Last evaluated: 2026-02-02. Review status: criteria provided, single submitter. Criteria: Invitae Variant Classification Sherloc (09022015). Collection method: clinical testing. Allele origin: germline.

Women's Health and Genetics/Laboratory Corporation of America, LabCorp
Classification: Likely benign. Last evaluated: 2025-12-12. Review status: criteria provided, single submitter. Criteria: LabCorp Variant Classification Summary - May 2015. Collection method: clinical testing. Allele origin: germline.
Comment: Variant summary: MYPN c.65C>G (p.Ala22Gly) results in a non-conservative amino acid change in the encoded protein sequence. Algorithms developed to predict the effect of missense changes on protein structure and function all suggest that this variant is likely to be disruptive. The variant allele was found at a frequency of 0.00017 in 251362 control chromosomes, predominantly at a frequency of 0.0023 within the African or African-American subpopulation in the gnomAD database. The observed variant frequency within African or African-American control individuals in the gnomAD database exceeds the estimated maximal expected allele frequency for disease-causing variants in MYPN. To our knowledge, no experimental evidence demonstrating the variant's impact on protein function has been reported. ClinVar contains an entry for this variant (Variation ID: 229037). Based on the evidence outlined above, the variant was classified as likely benign.

PreventionGenetics, part of Exact Sciences
Classification: Likely benign for MYPN-related condition. Last evaluated: 2024-10-31. Review status: criteria provided, single submitter. Criteria: ACMG Guidelines, 2015. Collection method: clinical testing. Allele origin: germline.
Comment: This variant is classified as likely benign based on ACMG/AMP sequence variant interpretation guidelines (Richards et al. 2015 PMID: 25741868, with internal and published modifications).

Revvity Omics, Revvity
Classification: Likely benign. Last evaluated: 2023-09-07. Review status: criteria provided, single submitter. Criteria: ACMG Guidelines, 2015. Collection method: clinical testing. Allele origin: germline.

GeneDx
Classification: Likely benign. Last evaluated: 2020-01-21. Review status: criteria provided, single submitter. Criteria: GeneDx Variant Classification Process June 2021. Collection method: clinical testing. Allele origin: germline. Affected: yes.

Ambry Genetics
Classification: Likely benign for Cardiovascular phenotype. Last evaluated: 2019-08-13. Review status: criteria provided, single submitter. Criteria: Ambry Variant Classification Scheme 2023. Collection method: clinical testing. Allele origin: germline.

Laboratory for Molecular Medicine, Mass General Brigham Personalized Medicine
Classification: Uncertain significance. Last evaluated: 2015-04-13. Review status: criteria provided, single submitter. Criteria: LMM Criteria. Collection method: clinical testing. Allele origin: germline. Observed: 1 variant allele.
Comment: Variant classified as Uncertain Significance - Favor Benign. The p.Ala22Gly vari ant in MYPN has not been previously reported in individuals with cardiomyopathy, but has been identified in 0.2% (23/10358) of African chromosomes by the Exome Aggregation Consortium (ExAC; dbSNP rs145142157) . Computational prediction tools and conservation analysis suggest that the p.Al a22Gly variant may impact the protein, though this information is not predictive enough to determine pathogenicity. In summary, while the clinical significance of the p.Ala22Gly variant is uncertain, its frequency suggests that it is more l ikely to be benign.